The following is an entry in ClinVar:

NM_001620.3(AHNAK):c.12113A>G (p.Lys4038Arg)

Gene: AHNAK (AHNAK nucleoprotein; minus strand). Cytogenetic location: 11q12.3.
Variant type: single nucleotide variant.
Coding change: c.12113A>G on transcript NM_001620.3 (MANE Select); coding-DNA position 12113, A replaced by G.
Protein change: p.Lys4038Arg; replaces lysine 4038 with arginine.
Molecular consequence: missense variant. On other transcripts: intron variant (1).
Genome position (GRCh38, 1-based): chr11:62,522,304, T>C on the plus strand (A>G on the coding strand, the complement: AHNAK is on the minus strand). VCF-style: chr11-62522304-T-C. GRCh37 (hg19) VCF-style: chr11-62289776-T-C.
Other names: c.12113A>G, p.Lys4038Arg (NM_001346445.2, NM_001346446.2); c.342+12699A>G (NM_024060.4); short protein forms K4038R.
Identifiers: ClinVar variation 2641865 (VCV002641865.24), dbSNP rs141451542, ClinGen allele CA6044659.
Genomic context (GRCh38, chr11:62,522,304, plus strand): 5'-AGGTGCCAGTCTGGGCCATGAACATCCACATCTGGGGCATCAATGTCCACTTTGGGGCCC[T>C]TGATGTCAACTTCAGGGGCCTTTAGATCACCTTCCATCTTAGGCAGAGAAACATCCACAT-3'
Protein context (NP_001611.1, residues 4028-4048): GDLKAPEVDI[Lys4038Arg]GPKVDIDAPD

ClinVar aggregate classification (germline): Benign (1 of 4 stars; one submission).

Allele frequency attached by ClinVar (database versions not stated): ESP Exome Variant Server 0.00038; TOPMed 0.00043; gnomAD 0.00055; gnomAD exomes 0.00108; 1000 Genomes Project 0.00140; 1000 Genomes Project 30x 0.00141; ExAC 0.00174.
gnomAD v4.1: 1,668 of 1,613,500 alleles (0.1%); highest among the groups gnomAD compares: South Asian, 0.78%; 17 homozygotes.

Submission:

CeGaT Center for Human Genetics Tuebingen
Classification: Benign. Last evaluated: 2022-07-01. Review status: criteria provided, single submitter. Criteria: CeGaT Center For Human Genetics Tuebingen Variant Classification Criteria Version 2. Collection method: clinical testing. Allele origin: germline. Affected: yes. Observed: 1 variant allele.
Comment: AHNAK: BS1, BS2